The following is an entry in ClinVar:

NM_018136.5(ASPM):c.7160_7161del (p.Ser2387fs)

Gene: ASPM (assembly factor for spindle microtubules; minus strand). Cytogenetic location: 1q31.3.
Variant type: Microsatellite.
Coding change: c.7160_7161del on transcript NM_018136.5 (MANE Select); coding-DNA positions 7160 to 7161, 2 bases deleted (CT; older notation c.7160_7161delCT).
Protein change: p.Ser2387fs; shifts the reading frame from serine 2387.
Molecular consequence: frameshift variant. On other transcripts: intron variant (1).
Genome position (GRCh38, 1-based): chr1:197,102,090-197,102,091, AG deleted on the plus strand (CT on the coding strand, the reverse complement: ASPM is on the minus strand); deleting any 2 consecutive bases within chr1:197,102,090-197,102,093 gives the same sequence; the c. name uses the placement nearest the transcript's 3' end. VCF-style (leftmost placement, unchanged base first): chr1-197102089-CAG-C. GRCh37 (hg19) VCF-style: chr1-197071219-CAG-C.
Other names: c.4066-5927_4066-5926del (NM_001206846.2); c.7160_7161delCT (NM_018136.4); short protein forms S2387fs.
Identifiers: ClinVar variation 157867 (VCV000157867.15), dbSNP rs587783265, ClinGen allele CA271096.

ClinVar aggregate classification (germline): Pathogenic/Likely pathogenic. Review status: criteria provided, multiple submitters, no conflicts (2 of 4 stars). 5 submissions from 5 submitters: Pathogenic (3); Likely pathogenic (1). 1 of the submissions does not count toward it. Last evaluated 2024-12-02.

Conditions:
ASPM-related disorder. Also called: ASPM-related condition.
Autosomal recessive primary microcephaly. Identifiers: Orphanet 2512, MedGen C3711387, MONDO:0016660.
Microcephaly 5, primary, autosomal recessive (MCPH5). Also called: ASPM Primary Microcephaly. Identifiers: Orphanet 2512, MedGen C1837501, MONDO:0012106, OMIM 608716.

Submissions (5):

Labcorp Genetics (formerly Invitae), Labcorp
Classification: Pathogenic. Last evaluated: 2024-12-02. Review status: criteria provided, single submitter. Criteria: Invitae Variant Classification Sherloc (09022015). Collection method: clinical testing. Allele origin: germline.
Comment: This sequence change creates a premature translational stop signal (p.Ser2387Cysfs*14) in the ASPM gene. It is expected to result in an absent or disrupted protein product. Loss-of-function variants in ASPM are known to be pathogenic (PMID: 19028728, 23611254). This variant is present in population databases (rs587783266, gnomAD 0.003%). This variant has not been reported in the literature in individuals affected with ASPM-related conditions. ClinVar contains an entry for this variant (Variation ID: 157867). For these reasons, this variant has been classified as Pathogenic.

Women's Health and Genetics/Laboratory Corporation of America, LabCorp
Classification: Pathogenic for Autosomal recessive primary microcephaly. Last evaluated: 2023-06-27. Review status: criteria provided, single submitter. Criteria: LabCorp Variant Classification Summary - May 2015. Collection method: clinical testing. Allele origin: germline.
Comment: Variant summary: ASPM c.7160_7161delCT (p.Ser2387CysfsX14) results in a premature termination codon, predicted to cause absence of the protein due to nonsense mediated decay, which is a commonly known mechanism for disease. The variant allele was found at a frequency of 1.2e-05 in 250328 control chromosomes (gnomAD). To our knowledge, no occurrence of c.7160_7161delCT in individuals affected with Primary microcephaly and no experimental evidence demonstrating its impact on protein function have been reported. One submitter has cited a clinical-significance assessment for this variant to ClinVar after 2014 and has classified the variant as pathogenic. Based on the evidence outlined above, the variant was classified as pathogenic.

Genome-Nilou Lab
Classification: Likely pathogenic for Microcephaly 5, primary, autosomal recessive. Last evaluated: 2023-04-11. Review status: criteria provided, single submitter. Criteria: ACMG Guidelines, 2015. Collection method: clinical testing. Allele origin: germline. Affected: no.

Genetic Services Laboratory, University of Chicago
Classification: Pathogenic for Microcephaly 5, primary, autosomal recessive. Last evaluated: 2013-12-13. Review status: criteria provided, single submitter. Criteria: ACMG Guidelines, 2007. Collection method: clinical testing. Allele origin: germline. Inheritance: Autosomal recessive inheritance. Affected: yes.

PreventionGenetics, part of Exact Sciences
Classification: Likely pathogenic for ASPM-related condition. Last evaluated: 2023-11-21. Review status: no assertion criteria provided. Collection method: clinical testing. Allele origin: germline. Not counted in ClinVar's aggregate classification.
Comment: The ASPM c.7160_7161delCT variant is predicted to result in a frameshift and premature protein termination (p.Ser2387Cysfs*14). To our knowledge, this variant has not been reported in the literature. It is reported in 0.0033% of alleles in individuals of South Asian descent in gnomAD. Frameshift variants in ASPM are expected to be pathogenic. This variant is interpreted as likely pathogenic.

Literature cited by the submitters: PubMed 19028728 (cited by Labcorp Genetics (formerly Invitae), Labcorp); PubMed 23611254 (cited by Labcorp Genetics (formerly Invitae), Labcorp).